The following is an entry in ClinVar:

ClinVar aggregate classification (germline): Uncertain significance (1 of 4 stars; one submission).

Conditions:
DYRK1A-related intellectual disability syndrome (MRD7). Also called: DYRK1A Syndrome; Intellectual developmental disorder, autosomal dominant 7. Identifiers: Orphanet 464306, MedGen C5568143, MONDO:0013578, OMIM 614104.

gnomAD v4.1: 7 of 1,614,076 alleles (0.00043%); highest among the groups gnomAD compares: Non-Finnish European, 0.00059%; no homozygotes.

Submission:

Labcorp Genetics (formerly Invitae), Labcorp
Classification: Uncertain significance for DYRK1A-related intellectual disability syndrome. Last evaluated: 2021-01-16. Review status: criteria provided, single submitter. Criteria: Invitae Variant Classification Sherloc (09022015). Collection method: clinical testing. Allele origin: germline.
Comment: This sequence change replaces methionine with isoleucine at codon 76 of the DYRK1A protein (p.Met76Ile). The methionine residue is weakly conserved and there is a small physicochemical difference between methionine and isoleucine. This variant is not present in population databases (ExAC no frequency). This variant has not been reported in the literature in individuals with DYRK1A-related conditions. Advanced modeling of protein sequence and biophysical properties (such as structural, functional, and spatial information, amino acid conservation, physicochemical variation, residue mobility, and thermodynamic stability) performed at Invitae indicates that this missense variant is not expected to disrupt DYRK1A protein function. In summary, the available evidence is currently insufficient to determine the role of this variant in disease. Therefore, it has been classified as a Variant of Uncertain Significance.

NM_001347721.2(DYRK1A):c.208-7G>T

Gene: DYRK1A (dual specificity tyrosine phosphorylation regulated kinase 1A; plus strand). Cytogenetic location: 21q22.13.
Variant type: single nucleotide variant.
Coding change: c.208-7G>T on transcript NM_001347721.2 (MANE Select); 7 bases into the intron before coding-DNA position 208, G replaced by T.
Molecular consequence: intron variant. On other transcripts: missense variant (3).
Genome position (GRCh38, 1-based): chr21:37,478,201, G>T. VCF-style: chr21-37478201-G-T. GRCh37 (hg19) VCF-style: chr21-38850503-G-T.
Other names: c.228G>T, p.Met76Ile (NM_001396.5, NM_101395.2, NM_130438.2); c.208-7G>T (NM_001347722.2, NM_130436.2); c.121-7G>T (NM_001347723.2); short protein forms M76I.
Identifiers: ClinVar variation 1472790 (VCV001472790.8), dbSNP rs2148571396, ClinGen allele CA409943310.
Genomic context (GRCh38, chr21:37,478,201, plus strand): 5'-ATCTTATAGTTAAAGTGCTAGTCTTTTCTGTCTATTTAAGGTGATGCCTGATATTGTCAT[G>T]TTACAGAGGCGGATGCCCCAAACCTTCCGTGACCCAGCAACTGCTCCCCTGAGAAAACTT-3'